The following is an entry in ClinVar:

ClinVar aggregate classification (germline): Pathogenic (1 of 4 stars; one submission).

Submission:

Labcorp Genetics (formerly Invitae), Labcorp
Classification: Pathogenic. Last evaluated: 2023-10-07. Review status: criteria provided, single submitter. Criteria: Invitae Variant Classification Sherloc (09022015). Collection method: clinical testing. Allele origin: germline.
Comment: This sequence change creates a premature translational stop signal (p.Cys389*) in the SLC27A4 gene. It is expected to result in an absent or disrupted protein product. Loss-of-function variants in SLC27A4 are known to be pathogenic (PMID: 19631310, 21450060). This variant is not present in population databases (gnomAD no frequency). This variant has not been reported in the literature in individuals affected with SLC27A4-related conditions. For these reasons, this variant has been classified as Pathogenic.

Literature cited by the submitters: PubMed 19631310; PubMed 21450060.

NM_005094.4(SLC27A4):c.1167C>A (p.Cys389Ter)

Gene: SLC27A4 (solute carrier family 27 member 4; plus strand). Cytogenetic location: 9q34.11.
Variant type: single nucleotide variant.
Coding change: c.1167C>A on transcript NM_005094.4 (MANE Select); coding-DNA position 1167, C replaced by A.
Protein change: p.Cys389Ter; replaces cysteine 389 with a stop codon.
Molecular consequence: nonsense.
Genome position (GRCh38, 1-based): chr9:128,353,204, C>A. VCF-style: chr9-128353204-C-A. GRCh37 (hg19) VCF-style: chr9-131115483-C-A.
Other names: short protein forms C389*.
Identifiers: ClinVar variation 2766751 (VCV002766751.3), dbSNP rs755361442, ClinGen allele CA375034785.